The following is an entry in ClinVar:

NM_006180.6(NTRK2):c.1938-10C>T

Gene: NTRK2 (neurotrophic receptor tyrosine kinase 2; plus strand). Cytogenetic location: 9q21.33.
Variant type: single nucleotide variant.
Coding change: c.1938-10C>T on transcript NM_006180.6 (MANE Select); 10 bases into the intron before coding-DNA position 1938, C replaced by T.
Molecular consequence: intron variant.
Genome position (GRCh38, 1-based): chr9:84,955,273, C>T. VCF-style: chr9-84955273-C-T. GRCh37 (hg19) VCF-style: chr9-87570188-C-T.
Other names: c.1890-10C>T (NM_001369532.1, NM_001369533.1, NM_001018064.3); c.1854-10C>T (NM_001369534.1); c.1470-10C>T (NM_001369536.1); c.1422-10C>T (NM_001369535.1).
Identifiers: ClinVar variation 3048823 (VCV003048823.5), dbSNP rs200046832, ClinGen allele CA5105889.

ClinVar aggregate classification (germline): Likely benign. Review status: criteria provided, multiple submitters, no conflicts (2 of 4 stars). 3 submissions from 3 submitters: Likely benign (2). 1 of the submissions does not count toward it. Last evaluated 2026-01-28.

Conditions:
NTRK2-related disorder. Also called: NTRK2-related condition.

Allele frequency attached by ClinVar (database versions not stated): gnomAD 0.00003; gnomAD exomes 0.00003; 1000 Genomes Project 0.00020; ExAC 0.00022; 1000 Genomes Project 30x 0.00031.
gnomAD v4.1: 43 of 1,588,190 alleles (0.0027%); highest among the groups gnomAD compares: South Asian, 0.046%; no homozygotes.

Submissions (3):

Labcorp Genetics (formerly Invitae), Labcorp
Classification: Likely benign. Last evaluated: 2026-01-28. Review status: criteria provided, single submitter. Criteria: Invitae Variant Classification Sherloc (09022015). Collection method: clinical testing. Allele origin: germline.

Blueprint Genetics
Classification: Likely benign. Last evaluated: 2023-06-23. Review status: criteria provided, single submitter. Criteria: ACMG Guidelines, 2015. Collection method: clinical testing. Allele origin: germline.

PreventionGenetics, part of Exact Sciences
Classification: Likely benign for NTRK2-related condition. Last evaluated: 2019-12-02. Review status: no assertion criteria provided. Collection method: clinical testing. Allele origin: germline. Not counted in ClinVar's aggregate classification.
Comment: This variant is classified as likely benign based on ACMG/AMP sequence variant interpretation guidelines (Richards et al. 2015 PMID: 25741868, with internal and published modifications).